The following is an entry in ClinVar:

NM_018426.3(TMEM63B):c.1160G>A (p.Cys387Tyr)

Gene: TMEM63B (transmembrane protein 63B; plus strand). Cytogenetic location: 6p21.1.
Variant type: single nucleotide variant.
Coding change: c.1160G>A on transcript NM_018426.3 (MANE Select); coding-DNA position 1160, G replaced by A.
Protein change: p.Cys387Tyr; replaces cysteine 387 with tyrosine.
Molecular consequence: missense variant.
Genome position (GRCh38, 1-based): chr6:44,148,551, G>A. VCF-style: chr6-44148551-G-A. GRCh37 (hg19) VCF-style: chr6-44116288-G-A.
Other names: c.1160G>A, p.Cys387Tyr (NM_001318792.1); short protein forms C387Y.
Identifiers: ClinVar variation 3893447 (VCV003893447.1).

ClinVar aggregate classification (germline): Uncertain significance (1 of 4 stars; one submission).

Submission:

GeneDx
Classification: Uncertain significance. Last evaluated: 2024-10-24. Review status: criteria provided, single submitter. Criteria: GeneDx Variant Classification Process June 2021. Collection method: clinical testing. Allele origin: germline. Affected: yes.
Comment: Not observed at significant frequency in large population cohorts (gnomAD); In silico analysis indicates that this missense variant does not alter protein structure/function; Has not been previously published as pathogenic or benign to our knowledge